The following is an entry in ClinVar:

ClinVar aggregate classification (germline): Uncertain significance (1 of 4 stars; one submission).

Allele frequency attached by ClinVar (database versions not stated): TOPMed below 0.00001; ExAC 0.00001; gnomAD 0.00001; gnomAD exomes 0.00001.
gnomAD v4.1: 8 of 1,613,844 alleles (0.0005%); highest among the groups gnomAD compares: South Asian, 0.0011%; no homozygotes.

Submission:

Labcorp Genetics (formerly Invitae), Labcorp
Classification: Uncertain significance. Last evaluated: 2023-08-24. Review status: criteria provided, single submitter. Criteria: Invitae Variant Classification Sherloc (09022015). Collection method: clinical testing. Allele origin: germline.
Comment: This sequence change replaces glycine, which is neutral and non-polar, with alanine, which is neutral and non-polar, at codon 1045 of the POLR3A protein (p.Gly1045Ala). This variant is present in population databases (rs768166840, gnomAD 0.002%). This variant has not been reported in the literature in individuals affected with POLR3A-related conditions. ClinVar contains an entry for this variant (Variation ID: 1417593). Advanced modeling of protein sequence and biophysical properties (such as structural, functional, and spatial information, amino acid conservation, physicochemical variation, residue mobility, and thermodynamic stability) performed at Invitae indicates that this missense variant is not expected to disrupt POLR3A protein function. In summary, the available evidence is currently insufficient to determine the role of this variant in disease. Therefore, it has been classified as a Variant of Uncertain Significance.

NM_007055.4(POLR3A):c.3134G>C (p.Gly1045Ala)

Gene: POLR3A (RNA polymerase III subunit A; minus strand). Cytogenetic location: 10q22.3.
Variant type: single nucleotide variant.
Coding change: c.3134G>C on transcript NM_007055.4 (MANE Select); coding-DNA position 3134, G replaced by C.
Protein change: p.Gly1045Ala; replaces glycine 1045 with alanine.
Molecular consequence: missense variant.
Genome position (GRCh38, 1-based): chr10:77,985,278, C>G on the plus strand (G>C on the coding strand, the complement: POLR3A is on the minus strand). VCF-style: chr10-77985278-C-G. GRCh37 (hg19) VCF-style: chr10-79745036-C-G.
Other names: short protein forms G1045A.
Identifiers: ClinVar variation 1417593 (VCV001417593.6), dbSNP rs768166840, ClinGen allele CA5570918.